The following is an entry in ClinVar:

ClinVar aggregate classification (germline): Uncertain significance (1 of 4 stars; one submission).

Submission:

Women's Health and Genetics/Laboratory Corporation of America, LabCorp
Classification: Uncertain significance. Last evaluated: 2023-11-21. Review status: criteria provided, single submitter. Criteria: LabCorp Variant Classification Summary - May 2015. Collection method: clinical testing. Allele origin: germline.
Comment: Variant summary: SYNE1 c.964G>A (p.Glu322Lys) results in a conservative amino acid change in the encoded protein sequence. Three of five in-silico tools predict a damaging effect of the variant on protein function. The variant was absent in 247494 control chromosomes. The available data on variant occurrences in the general population are insufficient to allow any conclusion about variant significance. To our knowledge, no occurrence of c.964G>A in individuals affected with SYNE1-Related Disorders and no experimental evidence demonstrating its impact on protein function have been reported. No submitters have cited clinical-significance assessments for this variant to ClinVar after 2014. Based on the evidence outlined above, the variant was classified as uncertain significance.

NM_182961.4(SYNE1):c.943G>A (p.Glu315Lys)

Gene: SYNE1 (spectrin repeat containing nuclear envelope protein 1; minus strand). Cytogenetic location: 6q25.2.
Variant type: single nucleotide variant.
Coding change: c.943G>A on transcript NM_182961.4 (MANE Select); coding-DNA position 943, G replaced by A.
Protein change: p.Glu315Lys; replaces glutamic acid 315 with lysine.
Molecular consequence: missense variant.
Genome position (GRCh38, 1-based): chr6:152,488,500, C>T on the plus strand (G>A on the coding strand, the complement: SYNE1 is on the minus strand). VCF-style: chr6-152488500-C-T. GRCh37 (hg19) VCF-style: chr6-152809635-C-T.
Other names: c.964G>A, p.Glu322Lys (NM_033071.5); short protein forms E315K, E322K.
Identifiers: ClinVar variation 2682236 (VCV002682236.1), dbSNP rs2098953066, ClinGen allele CA366144724.